The following is an entry in ClinVar:

NM_006059.4(LAMC3):c.971G>A (p.Cys324Tyr)

Gene: LAMC3 (laminin subunit gamma 3; plus strand). Cytogenetic location: 9q34.12.
Variant type: single nucleotide variant.
Coding change: c.971G>A on transcript NM_006059.4 (MANE Select); coding-DNA position 971, G replaced by A.
Protein change: p.Cys324Tyr; replaces cysteine 324 with tyrosine.
Molecular consequence: missense variant.
Genome position (GRCh38, 1-based): chr9:131,036,327, G>A. VCF-style: chr9-131036327-G-A. GRCh37 (hg19) VCF-style: chr9-133911714-G-A.
Other names: short protein forms C324Y.
Identifiers: ClinVar variation 1971497 (VCV001971497.3), dbSNP rs897843135, ClinGen allele CA200686505.

ClinVar aggregate classification (germline): Uncertain significance (1 of 4 stars; one submission).

Allele frequency attached by ClinVar (database versions not stated): gnomAD exomes 0.00001; TOPMed 0.00002; gnomAD 0.00007.
gnomAD v4.1: 16 of 1,612,632 alleles (0.00099%); highest among the groups gnomAD compares: African/African-American, 0.016%; no homozygotes.

Submission:

Labcorp Genetics (formerly Invitae), Labcorp
Classification: Uncertain significance. Last evaluated: 2022-09-01. Review status: criteria provided, single submitter. Criteria: Invitae Variant Classification Sherloc (09022015). Collection method: clinical testing. Allele origin: germline.
Comment: In summary, the available evidence is currently insufficient to determine the role of this variant in disease. Therefore, it has been classified as a Variant of Uncertain Significance. Algorithms developed to predict the effect of missense changes on protein structure and function (SIFT, PolyPhen-2, Align-GVGD) all suggest that this variant is likely to be disruptive. This variant has not been reported in the literature in individuals affected with LAMC3-related conditions. This variant is present in population databases (no rsID available, gnomAD 0.01%). This sequence change replaces cysteine, which is neutral and slightly polar, with tyrosine, which is neutral and polar, at codon 324 of the LAMC3 protein (p.Cys324Tyr).